The following is an entry in ClinVar:

ClinVar aggregate classification (germline): Uncertain significance. Review status: criteria provided, multiple submitters, no conflicts (2 of 4 stars). 2 submissions from 2 submitters: Uncertain significance (2). Last evaluated 2024-08-20.

Allele frequency attached by ClinVar (database versions not stated): gnomAD 0.00001; gnomAD exomes 0.00001; ExAC 0.00002; TOPMed 0.00002.

Submissions (2):

Blueprint Genetics
Classification: Uncertain significance. Last evaluated: 2024-08-20. Review status: criteria provided, single submitter. Criteria: ACMG Guidelines, 2015. Collection method: clinical testing. Allele origin: germline.

Labcorp Genetics (formerly Invitae), Labcorp
Classification: Uncertain significance. Last evaluated: 2024-01-02. Review status: criteria provided, single submitter. Criteria: Invitae Variant Classification Sherloc (09022015). Collection method: clinical testing. Allele origin: germline.
Comment: This sequence change replaces aspartic acid, which is acidic and polar, with asparagine, which is neutral and polar, at codon 183 of the GRM6 protein (p.Asp183Asn). The frequency data for this variant in the population databases is considered unreliable, as metrics indicate poor data quality at this position in the gnomAD database. This variant has not been reported in the literature in individuals affected with GRM6-related conditions. ClinVar contains an entry for this variant (Variation ID: 1428176). Advanced modeling of protein sequence and biophysical properties (such as structural, functional, and spatial information, amino acid conservation, physicochemical variation, residue mobility, and thermodynamic stability) performed at Invitae indicates that this missense variant is not expected to disrupt GRM6 protein function with a negative predictive value of 80%. In summary, the available evidence is currently insufficient to determine the role of this variant in disease. Therefore, it has been classified as a Variant of Uncertain Significance.

NM_000843.4(GRM6):c.547G>A (p.Asp183Asn)

Gene: GRM6 (glutamate metabotropic receptor 6; minus strand). Cytogenetic location: 5q35.3.
Variant type: single nucleotide variant.
Coding change: c.547G>A on transcript NM_000843.4 (MANE Select); coding-DNA position 547, G replaced by A.
Protein change: p.Asp183Asn; replaces aspartic acid 183 with asparagine.
Molecular consequence: missense variant.
Genome position (GRCh38, 1-based): chr5:178,992,041, C>T on the plus strand (G>A on the coding strand, the complement: GRM6 is on the minus strand). VCF-style: chr5-178992041-C-T. GRCh37 (hg19) VCF-style: chr5-178419042-C-T.
Other names: short protein forms D183N.
Identifiers: ClinVar variation 1428176 (VCV001428176.7), dbSNP rs762228929, ClinGen allele CA3594496.